The following is an entry in ClinVar:

NM_177438.3(DICER1):c.4685G>T (p.Cys1562Phe)

Gene: DICER1 (dicer 1, ribonuclease III; minus strand). Cytogenetic location: 14q32.13.
Variant type: single nucleotide variant.
Coding change: c.4685G>T on transcript NM_177438.3 (MANE Select); coding-DNA position 4685, G replaced by T.
Protein change: p.Cys1562Phe; replaces cysteine 1562 with phenylalanine.
Molecular consequence: missense variant.
Genome position (GRCh38, 1-based): chr14:95,096,235, C>A on the plus strand (G>T on the coding strand, the complement: DICER1 is on the minus strand). VCF-style: chr14-95096235-C-A. GRCh37 (hg19) VCF-style: chr14-95562572-C-A.
Other names: c.4685G>T, p.Cys1562Phe (NM_001195573.1, NM_001271282.3, NM_001291628.2 and 1 more transcripts); short protein forms C1562F.
Identifiers: ClinVar variation 963018 (VCV000963018.14), dbSNP rs1890319805, ClinGen allele CA390867524.

ClinVar aggregate classification (germline): Uncertain significance. Review status: criteria provided, multiple submitters, no conflicts (2 of 4 stars). 2 submissions from 2 submitters: Uncertain significance (2). Last evaluated 2024-10-04.

Conditions:
DICER1-related tumor predisposition. Also called: DICER1 syndrome; DICER1-related pleuropulmonary blastoma cancer predisposition syndrome. Identifiers: Orphanet 284343, MedGen C3839822, MONDO:0100216.
Hereditary cancer-predisposing syndrome. Also called: Hereditary neoplastic syndrome; Tumor predisposition; Neoplastic Syndromes, Hereditary; Hereditary Cancer Syndrome. Identifiers: Orphanet 140162, MedGen C0027672, MeSH D009386, MONDO:0015356.

Submissions (2):

Ambry Genetics
Classification: Uncertain significance for Hereditary cancer-predisposing syndrome. Last evaluated: 2024-10-04. Review status: criteria provided, single submitter. Criteria: Ambry Variant Classification Scheme 2023. Collection method: clinical testing. Allele origin: germline.
Comment: The p.C1562F variant (also known as c.4685G>T), located in coding exon 22 of the DICER1 gene, results from a G to T substitution at nucleotide position 4685. The cysteine at codon 1562 is replaced by phenylalanine, an amino acid with highly dissimilar properties. This amino acid position is highly conserved in available vertebrate species. In addition, this alteration is predicted to be deleterious by in silico analysis. Since supporting evidence is limited at this time, the clinical significance of this alteration remains unclear.

Labcorp Genetics (formerly Invitae), Labcorp
Classification: Uncertain significance for DICER1-related tumor predisposition. Last evaluated: 2024-07-02. Review status: criteria provided, single submitter. Criteria: Invitae Variant Classification Sherloc (09022015). Collection method: clinical testing. Allele origin: germline.
Comment: This sequence change replaces cysteine, which is neutral and slightly polar, with phenylalanine, which is neutral and non-polar, at codon 1562 of the DICER1 protein (p.Cys1562Phe). This variant is not present in population databases (gnomAD no frequency). This variant has not been reported in the literature in individuals affected with DICER1-related conditions. ClinVar contains an entry for this variant (Variation ID: 963018). Advanced modeling of protein sequence and biophysical properties (such as structural, functional, and spatial information, amino acid conservation, physicochemical variation, residue mobility, and thermodynamic stability) performed at Invitae indicates that this missense variant is expected to disrupt DICER1 protein function with a positive predictive value of 80%. In summary, the available evidence is currently insufficient to determine the role of this variant in disease. Therefore, it has been classified as a Variant of Uncertain Significance.